The following is an entry in ClinVar:

ClinVar aggregate classification (germline): Uncertain significance (1 of 4 stars; one submission).

gnomAD v4.1: 1 of 1,205,769 alleles (0.000083%); highest among the groups gnomAD compares: Non-Finnish European, 0.00011%; no homozygotes.

Submission:

GeneDx
Classification: Uncertain significance. Last evaluated: 2024-03-04. Review status: criteria provided, single submitter. Criteria: GeneDx Variant Classification Process June 2021. Collection method: clinical testing. Allele origin: germline. Affected: yes.
Comment: Not observed at significant frequency in large population cohorts (gnomAD); In silico analysis supports that this variant does not alter splicing; Has not been previously published as pathogenic or benign to our knowledge

NM_139058.3(ARX):c.1035G>A (p.Arg345=)

Gene: ARX (aristaless related homeobox; minus strand). Cytogenetic location: Xp21.3.
Variant type: single nucleotide variant.
Coding change: c.1035G>A on transcript NM_139058.3 (MANE Select); coding-DNA position 1035, G replaced by A.
Protein change: p.Arg345=; no amino-acid change (arginine 345 retained).
Molecular consequence: synonymous variant.
Genome position (GRCh38, 1-based): chrX:25,012,960, C>T on the plus strand (G>A on the coding strand, the complement: ARX is on the minus strand). VCF-style: chrX-25012960-C-T. GRCh37 (hg19) VCF-style: chrX-25031077-C-T.
Identifiers: ClinVar variation 3369699 (VCV003369699.1).
Genomic context (GRCh38, chrX:25,012,960, plus strand): 5'-CGCGACCACCCTACGCGCATACCTGGTGAAGACGTCCGGGTAGTGCGTCTTCTGGAAGGC[C>T]CGCTCCAGTTCCTCCAGCTGGTAGCTGGTGAACGTGGTGCGGTAGCGCCTCTGTTTGCGT-3'
Protein context (NP_620689.1, residues 335-355): FTSYQLEELE[Arg345=]AFQKTHYPDV